The following is an entry in ClinVar:

NM_000179.3(MSH6):c.655A>T (p.Ser219Cys)

Gene: MSH6 (mutS homolog 6; plus strand). Cytogenetic location: 2p16.3.
Variant type: single nucleotide variant.
Coding change: c.655A>T on transcript NM_000179.3 (MANE Select); coding-DNA position 655, A replaced by T.
Protein change: p.Ser219Cys; replaces serine 219 with cysteine.
Molecular consequence: missense variant. On other transcripts: 5 prime UTR variant (9), non-coding transcript variant (4), intron variant (1).
Genome position (GRCh38, 1-based): chr2:47,798,638, A>T. VCF-style: chr2-47798638-A-T. GRCh37 (hg19) VCF-style: chr2-48025777-A-T.
Other names: c.751A>T, p.Ser251Cys (NM_001406795.1, NM_001406802.1); c.655A>T, p.Ser219Cys (NM_001406796.1, NM_001406798.1, NM_001406800.1 and 4 more transcripts); c.358A>T, p.Ser120Cys (NM_001406797.1, NM_001406801.1, NM_001406805.1 and 10 more transcripts); c.130A>T, p.Ser44Cys (NM_001406799.1, NM_001406806.1, NM_001406807.1); c.577A>T, p.Ser193Cys (NM_001406804.1); c.-252A>T (NM_001406811.1, NM_001406812.1, NM_001406814.1 and 6 more transcripts); c.661A>T, p.Ser221Cys (NM_001406813.1); c.487A>T, p.Ser163Cys (NM_001406826.1); and 2 more; short protein forms S193C, S219C, S251C, S44C, S120C, S163C, S89C, S221C.
Identifiers: ClinVar variation 3633912 (VCV003633912.2).

ClinVar aggregate classification (germline): Uncertain significance (1 of 4 stars; one submission).

Conditions:
Hereditary nonpolyposis colorectal neoplasms. Identifiers: MedGen C0009405, MeSH D003123.

Submission:

Labcorp Genetics (formerly Invitae), Labcorp
Classification: Uncertain significance for Hereditary nonpolyposis colorectal neoplasms. Last evaluated: 2024-04-10. Review status: criteria provided, single submitter. Criteria: Invitae Variant Classification Sherloc (09022015). Collection method: clinical testing. Allele origin: germline.
Comment: This sequence change replaces serine, which is neutral and polar, with cysteine, which is neutral and slightly polar, at codon 219 of the MSH6 protein (p.Ser219Cys). This variant is not present in population databases (gnomAD no frequency). This variant has not been reported in the literature in individuals affected with MSH6-related conditions. Advanced modeling of protein sequence and biophysical properties (such as structural, functional, and spatial information, amino acid conservation, physicochemical variation, residue mobility, and thermodynamic stability) performed at Invitae indicates that this missense variant is not expected to disrupt MSH6 protein function with a negative predictive value of 95%. In summary, the available evidence is currently insufficient to determine the role of this variant in disease. Therefore, it has been classified as a Variant of Uncertain Significance.